The following is an entry in ClinVar:

ClinVar aggregate classification (germline): Uncertain significance (1 of 4 stars; one submission).

Conditions:
Episodic ataxia type 2 (EA2). Also called: ACETAZOLAMIDE-RESPONSIVE HEREDITARY PAROXYSMAL CEREBELLAR ATAXIA; ATAXIA, EPISODIC, WITH NYSTAGMUS; ATAXIA, FAMILIAL PAROXYSMAL; CEREBELLAR ATAXIA, PAROXYSMAL, ACETAZOLAMIDE-RESPONSIVE; CEREBELLOPATHY, HEREDITARY PAROXYSMAL; EPISODIC ATAXIA, NYSTAGMUS-ASSOCIATED. Identifiers: Orphanet 97, MedGen C1720416, MONDO:0007163, OMIM 108500.
Developmental and epileptic encephalopathy, 42 (DEE42A). Also called: Epileptic encephalopathy, early infantile, 42; DEVELOPMENTAL AND EPILEPTIC ENCEPHALOPATHY 42A; EPILEPTIC ENCEPHALOPATHY, EARLY INFANTILE, 42A. Identifiers: MedGen C4310716, MONDO:0014917, OMIM 617106.

Submission:

Labcorp Genetics (formerly Invitae), Labcorp
Classification: Uncertain significance for Developmental and epileptic encephalopathy, 42; Episodic ataxia type 2. Last evaluated: 2025-10-10. Review status: criteria provided, single submitter. Criteria: Invitae Variant Classification Sherloc (09022015). Collection method: clinical testing. Allele origin: germline.
Comment: This sequence change replaces glycine, which is neutral and non-polar, with glutamic acid, which is acidic and polar, at codon 18 of the CACNA1A protein (p.Gly18Glu). This variant is not present in population databases (gnomAD no frequency). This variant has not been reported in the literature in individuals affected with CACNA1A-related conditions. Invitae Evidence Modeling of protein sequence and biophysical properties (such as structural, functional, and spatial information, amino acid conservation, physicochemical variation, residue mobility, and thermodynamic stability) has been performed for this missense variant. However, the output from this modeling did not meet the statistical confidence thresholds required to predict the impact of this variant on CACNA1A protein function. In summary, the available evidence is currently insufficient to determine the role of this variant in disease. Therefore, it has been classified as a Variant of Uncertain Significance.

NM_001127222.2(CACNA1A):c.53G>A (p.Gly18Glu)

Gene: CACNA1A (calcium voltage-gated channel subunit alpha1 A; minus strand). Cytogenetic location: 19p13.13.
Variant type: single nucleotide variant.
Coding change: c.53G>A on transcript NM_001127222.2 (MANE Select); coding-DNA position 53, G replaced by A.
Protein change: p.Gly18Glu; replaces glycine 18 with glutamic acid.
Molecular consequence: missense variant.
Genome position (GRCh38, 1-based): chr19:13,506,172, C>T on the plus strand (G>A on the coding strand, the complement: CACNA1A is on the minus strand). VCF-style: chr19-13506172-C-T. GRCh37 (hg19) VCF-style: chr19-13616986-C-T.
Other names: c.53G>A, p.Gly18Glu (NM_000068.4, NM_001127221.2, NM_001174080.2 and 1 more transcripts); short protein forms G18E.
Identifiers: ClinVar variation 4789738 (VCV004789738.1).
Genomic context (GRCh38, chr19:13,506,172, plus strand): 5'-TGCCGGCTGCCCCCGGCTCCTCGCCCGCCTCCGCTGCCCACGACCACCCCGGCGGCTGCC[C>T]CGGAGCCTCCTCCCCCGTAGCGGGCCGGCATCTCGTCTCCGAAGCGGGCCATTCTGCAAA-3'
Protein context (NP_001120694.1, residues 8-28): MPARYGGGGS[Gly18Glu]AAAGVVVGSG